The following is an entry in ClinVar:

ClinVar aggregate classification (germline): Likely pathogenic (1 of 4 stars; one submission).

Conditions:
CRYBA1-related disorder. Also called: CRYBA1-related condition.

Submission:

PreventionGenetics, part of Exact Sciences
Classification: Likely pathogenic for CRYBA1-related condition. Last evaluated: 2026-09-02. Review status: criteria provided, single submitter. Criteria: ACMG Guidelines, 2015. Collection method: clinical testing. Allele origin: germline.
Comment: The CRYBA1 c.530delG variant is predicted to result in a frameshift and premature protein termination (p.Arg177Leufs*41). To our knowledge, this variant has not been reported in the literature or in a large population database (gnomAD), indicating this variant is rare. Frameshift variants in CRYBA1 are expected to be pathogenic. This variant is interpreted as likely pathogenic.

NM_005208.5(CRYBA1):c.530del (p.Arg177fs)

Gene: CRYBA1 (crystallin beta A1; plus strand). Cytogenetic location: 17q11.2.
Variant type: Deletion.
Coding change: c.530del on transcript NM_005208.5 (MANE Select); coding-DNA position 530, one base deleted (G; older notation c.530delG).
Protein change: p.Arg177fs; shifts the reading frame from arginine 177.
Molecular consequence: frameshift variant.
Genome position (GRCh38, 1-based): chr17:29,254,231, G deleted. VCF-style (leftmost placement, unchanged base first): chr17-29254230-CG-C. GRCh37 (hg19) VCF-style: chr17-27581248-CG-C.
Other names: short protein forms R177fs.
Identifiers: ClinVar variation 3354229 (VCV003354229.2).
Genomic context (GRCh38, chr17:29,254,230, plus strand): 5'-TTTAATAATGAAATGTACTTTGAATTTCCTAGCTGGGTTTGCTACCAATATCCTGGATAT[CG>C]TGGGTATCAGTATATCTTGGAATGTGACCATCATGGAGGAGACTATAAACATTGGAGAGA-3'